The following is an entry in ClinVar:

NM_006612.6(KIF1C):c.1694G>A (p.Gly565Glu)

Genes: KIF1C (kinesin family member 1C; plus strand), KIF1C-AS1 (KIF1C antisense RNA 1; minus strand), LOC126862473 (CDK7 strongly-dependent group 2 enhancer GRCh37_chr17:4923264-4924463; plus strand). Cytogenetic location: 17p13.2.
Variant type: single nucleotide variant.
Coding change: c.1694G>A on transcript NM_006612.6 (MANE Select); coding-DNA position 1694, G replaced by A.
Protein change: p.Gly565Glu; replaces glycine 565 with glutamic acid.
Molecular consequence: missense variant. On other transcripts: non-coding transcript variant (1).
Genome position (GRCh38, 1-based): chr17:5,020,023, G>A. VCF-style: chr17-5020023-G-A. GRCh37 (hg19) VCF-style: chr17-4923318-G-A.
Other names: short protein forms G565E.
Identifiers: ClinVar variation 4809830 (VCV004809830.1).

ClinVar aggregate classification (germline): Uncertain significance (1 of 4 stars; one submission).

Conditions:
Spastic ataxia 2. Also called: Ataxia, spastic, 2, autosomal recessive. Identifiers: Orphanet 397946, MedGen C1969796, MONDO:0012651, OMIM 611302.

Submission:

Labcorp Genetics (formerly Invitae), Labcorp
Classification: Uncertain significance for Spastic ataxia 2. Last evaluated: 2026-01-28. Review status: criteria provided, single submitter. Criteria: Invitae Variant Classification Sherloc (09022015). Collection method: clinical testing. Allele origin: germline.
Comment: This sequence change replaces glycine, which is neutral and non-polar, with glutamic acid, which is acidic and polar, at codon 565 of the KIF1C protein (p.Gly565Glu). This variant is present in population databases (rs150226133, gnomAD 0.03%). This variant has not been reported in the literature in individuals affected with KIF1C-related conditions. Invitae Evidence Modeling of protein sequence and biophysical properties (such as structural, functional, and spatial information, amino acid conservation, physicochemical variation, residue mobility, and thermodynamic stability) indicates that this missense variant is not expected to disrupt KIF1C protein function with a negative predictive value of 80%. In summary, the available evidence is currently insufficient to determine the role of this variant in disease. Therefore, it has been classified as a Variant of Uncertain Significance.